The following is an entry in ClinVar:

ClinVar aggregate classification (germline): Uncertain significance (1 of 4 stars; one submission).

Conditions:
Dilated cardiomyopathy 1JJ (CMD1JJ). Identifiers: Orphanet 154, MedGen C3808935, MONDO:0014095, OMIM 615235.

Submission:

Labcorp Genetics (formerly Invitae), Labcorp
Classification: Uncertain significance for Dilated cardiomyopathy 1JJ. Last evaluated: 2017-06-12. Review status: criteria provided, single submitter. Criteria: Invitae Variant Classification Sherloc (09022015). Collection method: clinical testing. Allele origin: germline.
Comment: This sequence change replaces glutamic acid with valine at codon 909 of the LAMA4 protein (p.Glu909Val). The glutamic acid residue is highly conserved and there is a moderate physicochemical difference between glutamic acid and valine. This variant is not present in population databases (ExAC no frequency). This variant has not been reported in the literature in individuals with a LAMA4-related disease. Algorithms developed to predict the effect of missense changes on protein structure and function (SIFT, PolyPhen-2, Align-GVGD) all suggest that this variant is likely to be disruptive, but these predictions have not been confirmed by published functional studies and their clinical significance is uncertain. Algorithms developed to predict the effect of sequence changes on RNA splicing suggest that this variant may create or strengthen a splice site, but this prediction has not been confirmed by published transcriptional studies. In summary, this variant has uncertain impact on LAMA4 function. The available evidence is currently insufficient to determine its role in disease. Therefore, it has been classified as a Variant of Uncertain Significance.

NM_001105206.3(LAMA4):c.2747A>T (p.Glu916Val)

Genes: LAMA4 (laminin subunit alpha 4; minus strand), LOC126859766 (MED14-independent group 3 enhancer GRCh37_chr6:112462018-112463217; plus strand). Cytogenetic location: 6q21.
Variant type: single nucleotide variant.
Coding change: c.2747A>T on transcript NM_001105206.3 (MANE Select); coding-DNA position 2747, A replaced by T.
Protein change: p.Glu916Val; replaces glutamic acid 916 with valine.
Molecular consequence: missense variant.
Genome position (GRCh38, 1-based): chr6:112,141,424, T>A on the plus strand (A>T on the coding strand, the complement: LAMA4 is on the minus strand). VCF-style: chr6-112141424-T-A. GRCh37 (hg19) VCF-style: chr6-112462626-T-A.
Other names: c.2726A>T, p.Glu909Val (NM_001105207.3, NM_002290.5); short protein forms E909V, E916V.
Identifiers: ClinVar variation 474174 (VCV000474174.9), dbSNP rs1554333212, ClinGen allele CA365380197.
Genomic context (GRCh38, chr6:112,141,424, plus strand): 5'-ATCTTGACAATGCTGAAGTAAGCAGGCCAGGAACTGACGGGCTTGGAGTCCAGGGGAATC[T>A]CCACATCTTTAGTTCCCAAATTATAGACGTATACCAGATTATCATTTTTGATTGCAAGAC-3'
Protein context (NP_001098676.2, residues 906-926): YVYNLGTKDV[Glu916Val]IPLDSKPVSS